The following is an entry in ClinVar:

ClinVar aggregate classification (germline): Uncertain significance (1 of 4 stars; one submission).

Submission:

Labcorp Genetics (formerly Invitae), Labcorp
Classification: Uncertain significance. Last evaluated: 2022-08-23. Review status: criteria provided, single submitter. Criteria: Invitae Variant Classification Sherloc (09022015). Collection method: clinical testing. Allele origin: germline.
Comment: This variant has not been reported in the literature in individuals affected with ASNS-related conditions. In summary, the available evidence is currently insufficient to determine the role of this variant in disease. Therefore, it has been classified as a Variant of Uncertain Significance. Advanced modeling of protein sequence and biophysical properties (such as structural, functional, and spatial information, amino acid conservation, physicochemical variation, residue mobility, and thermodynamic stability) performed at Invitae indicates that this missense variant is expected to disrupt ASNS protein function. This variant is not present in population databases (gnomAD no frequency). This sequence change replaces tryptophan, which is neutral and slightly polar, with arginine, which is basic and polar, at codon 541 of the ASNS protein (p.Trp541Arg).

NM_001673.5(ASNS):c.1621T>A (p.Trp541Arg)

Genes: ASNS (asparagine synthetase (glutamine-hydrolyzing); minus strand), CZ1P-ASNS (CZ1P-ASNS readthrough; minus strand). Cytogenetic location: 7q21.3.
Variant type: single nucleotide variant.
Coding change: c.1621T>A on transcript NM_001673.5 (MANE Select); coding-DNA position 1621, T replaced by A.
Protein change: p.Trp541Arg; replaces tryptophan 541 with arginine.
Molecular consequence: missense variant. On other transcripts: non-coding transcript variant (1).
Genome position (GRCh38, 1-based): chr7:97,852,324, A>T on the plus strand (T>A on the coding strand, the complement: ASNS is on the minus strand). VCF-style: chr7-97852324-A-T. GRCh37 (hg19) VCF-style: chr7-97481636-A-T.
Other names: c.1558T>A, p.Trp520Arg (NM_001178075.2); c.1372T>A, p.Trp458Arg (NM_001178076.2, NM_001178077.1); c.1621T>A, p.Trp541Arg (NM_001352496.2, NM_133436.3, NM_183356.4); short protein forms W520R, W541R, W458R.
Identifiers: ClinVar variation 2110374 (VCV002110374.4), dbSNP rs2484622880, ClinGen allele CA368264074.